The following is an entry in ClinVar:

ClinVar aggregate classification (germline): Likely benign. Review status: criteria provided, multiple submitters, no conflicts (2 of 4 stars). 2 submissions from 2 submitters: Likely benign (2). Last evaluated 2024-07-04.

Conditions:
RYR1-related disorder. Also called: RYR1-related disorders; RYR1-related condition. Identifiers: MedGen CN239331.
Malignant hyperthermia, susceptibility to, 1 (MHS1). Also called: RYR1-Related Malignant Hyperthermia Susceptibility; Malignant hyperthermia suceptibility 1; Anesthesia related hyperthermia; Malignant hyperpyrexia; Fulminating hyperpyrexia; Pharmacogenic myopathy. Identifiers: Orphanet 423, MedGen C2930980, MONDO:0007783, OMIM 145600.

Allele frequency attached by ClinVar (database versions not stated): gnomAD exomes below 0.00001 and 0.00002; ExAC 0.00001; TOPMed 0.00001.
gnomAD v4.1: 6 of 1,610,468 alleles (0.00037%); highest among the groups gnomAD compares: Admixed American, 0.0067%; no homozygotes.

Submissions (2):

Labcorp Genetics (formerly Invitae), Labcorp
Classification: Likely benign for RYR1-related disorder. Last evaluated: 2024-07-04. Review status: criteria provided, single submitter. Criteria: Invitae Variant Classification Sherloc (09022015). Collection method: clinical testing. Allele origin: germline.

All of Us Research Program, National Institutes of Health
Classification: Likely benign for Malignant hyperthermia, susceptibility to, 1. Last evaluated: 2023-04-10. Review status: criteria provided, single submitter. Criteria: ACMG Guidelines, 2015. Collection method: clinical testing. Allele origin: germline. Inheritance: Autosomal dominant inheritance. Observed: 1 variant allele, 1 heterozygote.
Comment: This study involves interpretation of variants in research participants for the purpose of population health screening. Participant phenotype was not available at the time of variant classification. Additional details can be found in publication PMID: 35346344, PMCID: PMC8962531

NM_000540.3(RYR1):c.3921C>T (p.Thr1307=)

Gene: RYR1 (ryanodine receptor 1; plus strand). Cytogenetic location: 19q13.2.
Variant type: single nucleotide variant.
Coding change: c.3921C>T on transcript NM_000540.3 (MANE Select); coding-DNA position 3921, C replaced by T.
Protein change: p.Thr1307=; no amino-acid change (threonine 1307 retained).
Molecular consequence: synonymous variant.
Genome position (GRCh38, 1-based): chr19:38,473,532, C>T. VCF-style: chr19-38473532-C-T. GRCh37 (hg19) VCF-style: chr19-38964172-C-T.
Other names: c.3921C>T, p.Thr1307= (NM_001042723.2).
Identifiers: ClinVar variation 750050 (VCV000750050.11), dbSNP rs758452433, ClinGen allele CA065346.